The following is an entry in ClinVar:

ClinVar aggregate classification (germline): Benign (1 of 4 stars; one submission).

Submission:

GeneDx
Classification: Benign. Last evaluated: 2018-06-19. Review status: criteria provided, single submitter. Criteria: GeneDx Variant Classification (06012015). Collection method: clinical testing. Allele origin: germline. Affected: yes.
Comment: This variant is considered likely benign or benign based on one or more of the following criteria: it is a conservative change, it occurs at a poorly conserved position in the protein, it is predicted to be benign by multiple in silico algorithms, and/or has population frequency not consistent with disease.

NM_000310.4(PPT1):c.125-281_125-280insTTTCACATGCT

Gene: PPT1 (palmitoyl-protein thioesterase 1; minus strand). Cytogenetic location: 1p34.2.
Variant type: Insertion.
Coding change: c.125-281_125-280insTTTCACATGCT on transcript NM_000310.4 (MANE Select); 281 bases into the intron before coding-DNA position 125 through 280 bases into the intron before coding-DNA position 125, TTTCACATGCT inserted.
Molecular consequence: intron variant.
Genome position: GRCh38 VCF-style: chr1-40092787-G-GGCATGTGAAAA. GRCh37 (hg19) VCF-style: chr1-40558459-G-GGCATGTGAAAA.
Other names: c.125-3276_125-3275insTTTCACATGCT (NM_001142604.2); c.125-281_125-280insTTTCACATGCT (NM_001363695.2).
Identifiers: ClinVar variation 684006 (VCV000684006.1), dbSNP rs113022418, ClinGen allele CA21017238.